The following is an entry in ClinVar:

ClinVar aggregate classification (germline): Conflicting classifications of pathogenicity. Review status: criteria provided, conflicting classifications (1 of 4 stars). 4 submissions from 4 submitters: Pathogenic (1); Likely pathogenic (2); Uncertain significance (1). Last evaluated 2023-12-17.

Conditions:
Hermansky-Pudlak syndrome 6 (HPS6). Identifiers: Orphanet 231512, Orphanet 79430, MedGen C3888007, MONDO:0013558, OMIM 614075.

Allele frequency attached by ClinVar (database versions not stated): ExAC 0.00003; ESP Exome Variant Server 0.00008; gnomAD 0.00001; TOPMed 0.00002.
gnomAD v4.1: 13 of 1,612,904 alleles (0.00081%); highest among the groups gnomAD compares: African/African-American, 0.004%; no homozygotes.

Submissions (4):

Labcorp Genetics (formerly Invitae), Labcorp
Classification: Pathogenic. Last evaluated: 2023-12-17. Review status: criteria provided, single submitter. Criteria: Invitae Variant Classification Sherloc (09022015). Collection method: clinical testing. Allele origin: germline.
Comment: This sequence change creates a premature translational stop signal (p.Arg607*) in the HPS6 gene. While this is not anticipated to result in nonsense mediated decay, it is expected to disrupt the last 169 amino acid(s) of the HPS6 protein. This variant is present in population databases (rs377169467, gnomAD 0.01%). This premature translational stop signal has been observed in individual(s) with Hermansky-Pudlak syndrome (PMID: 29345414, 30387913, 32725903). In at least one individual the data is consistent with being in trans (on the opposite chromosome) from a pathogenic variant. ClinVar contains an entry for this variant (Variation ID: 1455209). This variant disrupts a region of the HPS6 protein in which other variant(s) (p.Gln680*) have been determined to be pathogenic (PMID: 27225848). This suggests that this is a clinically significant region of the protein, and that variants that disrupt it are likely to be disease-causing. For these reasons, this variant has been classified as Pathogenic.

Dasa
Classification: Likely pathogenic for Hermansky-Pudlak syndrome 6. Last evaluated: 2022-04-10. Review status: criteria provided, single submitter. Criteria: ACMG Guidelines, 2015. Collection method: clinical testing. Allele origin: germline. Affected: yes. Observed: 1 variant allele.
Comment: The c.1819C>T;p.(Arg607*) variant creates a premature translational stop signal in the HPS6 genewithout sufficient information about prediction of nonsense mediated mRNA decay (NMD) type change; it is present in a relevant exon to the transcript, and disrupts >10% of the protein product. - PVS1_strong. This sequence change has been observed in affected individual(s) (PMID: 30387913) - PS4_supporting. The variant is present at low allele frequencies population databases (rs377169467 – gnomAD 0.0001314%; ABraOM no frequency) - PM2_supporting. The p.(Arg607*) was detected in trans with a pathogenic variant (PMID: 30387913) - PM3. In summary, the currently available evidence indicates that the variant is likely pathogenic.

Department of Pathology and Laboratory Medicine, Sinai Health System
Classification: Uncertain significance for Hermansky-Pudlak syndrome 6. Last evaluated: 2021-10-15. Review status: criteria provided, single submitter. Criteria: ACMG Guidelines, 2015. Collection method: research. Allele origin: germline.

Juno Genomics, Hangzhou Juno Genomics, Inc
Classification: Likely pathogenic for Hermansky-Pudlak syndrome 6. Review status: criteria provided, single submitter. Criteria: ACMG Guidelines, 2015. Collection method: clinical testing. Allele origin: germline.
Comment: Absent from controls (or at extremely low frequency if recessive) in Genome Aggregation Database.;Null variant in a gene where loss of function (LOF) is a known mechanism of disease.;For recessive disorders, detected in trans with a pathogenic variant.;Patient's phenotype or family history is highly specific for a disease with a single genetic etiology.

Literature cited by the submitters: PubMed 29345414 (cited by Labcorp Genetics (formerly Invitae), Labcorp); PubMed 30387913 (cited by Labcorp Genetics (formerly Invitae), Labcorp and Dasa); PubMed 32725903 (cited by Labcorp Genetics (formerly Invitae), Labcorp); PubMed 27225848 (cited by Labcorp Genetics (formerly Invitae), Labcorp).

NM_024747.6(HPS6):c.1819C>T (p.Arg607Ter)

Gene: HPS6 (HPS6 biogenesis of lysosomal organelles complex 2 subunit 3; plus strand). Cytogenetic location: 10q24.32.
Variant type: single nucleotide variant.
Coding change: c.1819C>T on transcript NM_024747.6 (MANE Select); coding-DNA position 1819, C replaced by T.
Protein change: p.Arg607Ter; replaces arginine 607 with a stop codon.
Molecular consequence: nonsense.
Genome position (GRCh38, 1-based): chr10:102,067,293, C>T. VCF-style: chr10-102067293-C-T. GRCh37 (hg19) VCF-style: chr10-103827050-C-T.
Other names: short protein forms R607*.
Identifiers: ClinVar variation 1455209 (VCV001455209.13), dbSNP rs377169467, ClinGen allele CA5660049.
Genomic context (GRCh38, chr10:102,067,293, plus strand): 5'-GCACAGCAGCAGGGCGGGCCGGGCTGGGGGGCAGGGGGCCCAGGACTGCCCCTGTATCGC[C>T]GAGCTCTGGCAGTGCTAGGTGAGGAGGGGACCAGGCCTGAGGCTCTGGAGCTAGAGCTGC-3'